The following is an entry in ClinVar:

NM_000038.6(APC):c.4678G>T (p.Glu1560Ter)

Gene: APC (APC regulator of Wnt signaling pathway; plus strand). Cytogenetic location: 5q22.2.
Variant type: single nucleotide variant.
Coding change: c.4678G>T on transcript NM_000038.6 (MANE Select); coding-DNA position 4678, G replaced by T.
Protein change: p.Glu1560Ter; replaces glutamic acid 1560 with a stop codon.
Molecular consequence: nonsense.
Genome position (GRCh38, 1-based): chr5:112,840,272, G>T. VCF-style: chr5-112840272-G-T. GRCh37 (hg19) VCF-style: chr5-112175969-G-T.
Other names: c.4678G>T, p.Glu1560Ter (NM_001127510.3, NM_001354895.2); c.4624G>T, p.Glu1542Ter (NM_001127511.3); c.4732G>T, p.Glu1578Ter (NM_001354896.2); c.4708G>T, p.Glu1570Ter (NM_001354897.2); c.4603G>T, p.Glu1535Ter (NM_001354898.2); c.4594G>T, p.Glu1532Ter (NM_001354899.2); c.4555G>T, p.Glu1519Ter (NM_001354900.2); c.4501G>T, p.Glu1501Ter (NM_001354901.2); and 5 more; short protein forms E1532*, E1542*, E1277*, E1459*, E1400*, E1469*, E1501*, E1519*.
Identifiers: ClinVar variation 1370355 (VCV001370355.8), dbSNP rs2149920946, ClinGen allele CA16031586.

ClinVar aggregate classification (germline): Pathogenic (1 of 4 stars; one submission).

Conditions:
Familial adenomatous polyposis 1 (FAP1). Also called: FAMILIAL ADENOMATOUS POLYPOSIS 1, ATTENUATED; POLYPOSIS, ADENOMATOUS INTESTINAL. Identifiers: MedGen C2713442, MONDO:0021056, OMIM 175100. Disease mechanism: loss of function.

Submission:

Labcorp Genetics (formerly Invitae), Labcorp
Classification: Pathogenic for Familial adenomatous polyposis 1. Last evaluated: 2024-04-22. Review status: criteria provided, single submitter. Criteria: Invitae Variant Classification Sherloc (09022015). Collection method: clinical testing. Allele origin: germline.
Comment: This sequence change creates a premature translational stop signal (p.Glu1560*) in the APC gene. While this is not anticipated to result in nonsense mediated decay, it is expected to disrupt the last 1284 amino acid(s) of the APC protein. This variant is not present in population databases (gnomAD no frequency). This variant has not been reported in the literature in individuals affected with APC-related conditions. ClinVar contains an entry for this variant (Variation ID: 1370355). This variant is expected to disrupt the EB1 and HDLG binding sites, which mediate interactions with the cytoskeleton (PMID: 15311282, 17293347). While functional studies have not been performed to directly test the effect on APC protein function, this suggests that disruption of the C-terminal portion of the protein is functionally important. A different truncation (p.Tyr2645Lysfs*14) that lies downstream of this variant has been determined to be pathogenic (PMID: 9824584, 1316610, 27081525, 8381579, 22135120, Invitae). This suggests that deletion of this region of the APC protein is causative of disease. For these reasons, this variant has been classified as Pathogenic.

Literature cited by the submitters: PubMed 15311282; PubMed 17293347; PubMed 9824584; PubMed 1316610; PubMed 27081525; PubMed 8381579; PubMed 22135120.